The following is an entry in ClinVar:

ClinVar aggregate classification (germline): Uncertain significance. Review status: criteria provided, multiple submitters, no conflicts (2 of 4 stars). 2 submissions from 2 submitters: Uncertain significance (2). Last evaluated 2025-10-09.

Submissions (2):

Labcorp Genetics (formerly Invitae), Labcorp
Classification: Uncertain significance. Last evaluated: 2025-10-09. Review status: criteria provided, single submitter. Criteria: Invitae Variant Classification Sherloc (09022015). Collection method: clinical testing. Allele origin: germline.
Comment: This sequence change replaces alanine, which is neutral and non-polar, with glycine, which is neutral and non-polar, at codon 372 of the SRP72 protein (p.Ala372Gly). This variant is not present in population databases (gnomAD no frequency). This variant has not been reported in the literature in individuals affected with SRP72-related conditions. ClinVar contains an entry for this variant (Variation ID: 3801452). Invitae Evidence Modeling of protein sequence and biophysical properties (such as structural, functional, and spatial information, amino acid conservation, physicochemical variation, residue mobility, and thermodynamic stability) indicates that this missense variant is not expected to disrupt SRP72 protein function with a negative predictive value of 80%. In summary, the available evidence is currently insufficient to determine the role of this variant in disease. Therefore, it has been classified as a Variant of Uncertain Significance.

Ambry Genetics
Classification: Uncertain significance. Last evaluated: 2025-01-19. Review status: criteria provided, single submitter. Criteria: Ambry Variant Classification Scheme 2023. Collection method: clinical testing. Allele origin: germline.
Comment: The p.A372G variant (also known as c.1115C>G), located in coding exon 11 of the SRP72 gene, results from a C to G substitution at nucleotide position 1115. The alanine at codon 372 is replaced by glycine, an amino acid with similar properties. This amino acid position is conserved. In addition, the in silico prediction for this alteration is inconclusive. Based on the available evidence, the clinical significance of this variant remains unclear.

NM_006947.4(SRP72):c.1115C>G (p.Ala372Gly)

Gene: SRP72 (signal recognition particle 72; plus strand). Cytogenetic location: 4q12.
Variant type: single nucleotide variant.
Coding change: c.1115C>G on transcript NM_006947.4 (MANE Select); coding-DNA position 1115, C replaced by G.
Protein change: p.Ala372Gly; replaces alanine 372 with glycine.
Molecular consequence: missense variant. On other transcripts: non-coding transcript variant (1).
Genome position (GRCh38, 1-based): chr4:56,486,353, C>G. VCF-style: chr4-56486353-C-G. GRCh37 (hg19) VCF-style: chr4-57352519-C-G.
Other names: c.932C>G, p.Ala311Gly (NM_001267722.2); short protein forms A311G, A372G.
Identifiers: ClinVar variation 3801452 (VCV003801452.2).